The following is an entry in ClinVar:

ClinVar aggregate classification (germline): Likely pathogenic (1 of 4 stars; one submission).

Submission:

Laboratorio de Genetica e Diagnostico Molecular, Hospital Israelita Albert Einstein
Classification: Likely pathogenic. Last evaluated: 2022-01-27. Review status: criteria provided, single submitter. Criteria: ACMG Guidelines, 2015. Collection method: clinical testing. Allele origin: germline. Affected: yes.
Comment: ACMG classification criteria: PVS1, PM2

NM_003748.4(ALDH4A1):c.641del (p.Ala214fs)

Gene: ALDH4A1 (aldehyde dehydrogenase 4 family member A1; minus strand). Cytogenetic location: 1p36.13.
Variant type: Deletion.
Coding change: c.641del on transcript NM_003748.4 (MANE Select); coding-DNA position 641, one base deleted (C; older notation c.641delC).
Protein change: p.Ala214fs; shifts the reading frame from alanine 214.
Molecular consequence: frameshift variant.
Genome position (GRCh38, 1-based): chr1:18,883,161, G deleted on the plus strand (C on the coding strand, the reverse complement: ALDH4A1 is on the minus strand). VCF-style (leftmost placement, unchanged base first): chr1-18883160-TG-T. GRCh37 (hg19) VCF-style: chr1-19209654-TG-T.
Other names: c.461del, p.Ala154fs (NM_001161504.2); c.641del, p.Ala214fs (NM_001319218.2, NM_170726.3); c.641delC (NM_003748.4); short protein forms A154fs, A214fs.
Identifiers: ClinVar variation 1690556 (VCV001690556.2), dbSNP rs1429118574, ClinGen allele CA728882656.